The following is an entry in ClinVar:

ClinVar aggregate classification (germline): Uncertain significance (1 of 4 stars; one submission).

gnomAD v4.1: 1 of 1,211,050 alleles (0.000083%); highest among the groups gnomAD compares: Non-Finnish European, 0.00011%; no homozygotes.

Submission:

GeneDx
Classification: Uncertain significance. Last evaluated: 2026-02-24. Review status: criteria provided, single submitter. Criteria: GeneDx Variant Classification Process June 2021. Collection method: clinical testing. Allele origin: germline.
Comment: In silico analysis supports that this missense variant has a deleterious effect on protein structure/function; Has not been previously published as pathogenic or benign to our knowledge

NM_031407.7(HUWE1):c.5335C>T (p.Leu1779Phe)

Gene: HUWE1 (HECT, UBA and WWE domain containing E3 ubiquitin protein ligase 1; minus strand). Cytogenetic location: Xp11.22.
Variant type: single nucleotide variant.
Coding change: c.5335C>T on transcript NM_031407.7 (MANE Select); coding-DNA position 5335, C replaced by T.
Protein change: p.Leu1779Phe; replaces leucine 1779 with phenylalanine.
Molecular consequence: missense variant.
Genome position (GRCh38, 1-based): chrX:53,583,743, G>A on the plus strand (C>T on the coding strand, the complement: HUWE1 is on the minus strand). VCF-style: chrX-53583743-G-A. GRCh37 (hg19) VCF-style: chrX-53610703-G-A.
Other names: c.5335C>T, p.Leu1779Phe (NM_001441048.1, NM_001441049.1, NM_001441051.1 and 6 more transcripts); c.5356C>T, p.Leu1786Phe (NM_001441050.1, NM_001441055.1); short protein forms L1779F, L1786F.
Identifiers: ClinVar variation 5007939 (VCV005007939.1).